The following is an entry in ClinVar:

ClinVar aggregate classification (germline): Benign (0 of 4 stars; one submission).

Conditions:
ALPK2-related disorder. Also called: ALPK2-related condition.

Allele frequency attached by ClinVar (database versions not stated): 1000 Genomes Project 0.00519; 1000 Genomes Project 30x 0.00531; gnomAD 0.00863; TOPMed 0.00926; ExAC 0.00930; ESP Exome Variant Server 0.01007; gnomAD exomes 0.01157.
gnomAD v4.1: 18,467 of 1,614,090 alleles (1.1%); highest among the groups gnomAD compares: Middle Eastern, 5%; 189 homozygotes.

Submission:

PreventionGenetics, part of Exact Sciences
Classification: Benign for ALPK2-related condition. Last evaluated: 2019-02-21. Review status: no assertion criteria provided. Collection method: clinical testing. Allele origin: germline.
Comment: This variant is classified as benign based on ACMG/AMP sequence variant interpretation guidelines (Richards et al. 2015 PMID: 25741868, with internal and published modifications).

NM_052947.4(ALPK2):c.4949C>T (p.Ala1650Val)

Gene: ALPK2 (alpha kinase 2; minus strand). Cytogenetic location: 18q21.31.
Variant type: single nucleotide variant.
Coding change: c.4949C>T on transcript NM_052947.4 (MANE Select); coding-DNA position 4949, C replaced by T.
Protein change: p.Ala1650Val; replaces alanine 1650 with valine.
Molecular consequence: missense variant.
Genome position (GRCh38, 1-based): chr18:58,535,238, G>A on the plus strand (C>T on the coding strand, the complement: ALPK2 is on the minus strand). VCF-style: chr18-58535238-G-A. GRCh37 (hg19) VCF-style: chr18-56202470-G-A.
Other names: short protein forms A1650V.
Identifiers: ClinVar variation 3055240 (VCV003055240.2), dbSNP rs55656447, ClinGen allele CA8976610.
Genomic context (GRCh38, chr18:58,535,238, plus strand): 5'-TGCAGTAATTTAGGGGCTTTCTCTAACTCACGTTCTCCTGAAATAAATGCCAAGGTCTTC[G>A]CTGAGGAGCTAGATGAGCTTGGGGGTTTGGTTTCCCCAATTTGAAGCACCTCTATTTTAG-3'
Protein context (NP_443179.3, residues 1640-1660): TKPPSSSSSS[Ala1650Val]KTLAFISGER